The following is an entry in ClinVar:

NM_006846.4(SPINK5):c.2963T>C (p.Leu988Pro)

Gene: SPINK5 (serine peptidase inhibitor Kazal type 5; plus strand). Cytogenetic location: 5q32.
Variant type: single nucleotide variant.
Coding change: c.2963T>C on transcript NM_006846.4 (MANE Select); coding-DNA position 2963, T replaced by C.
Protein change: p.Leu988Pro; replaces leucine 988 with proline.
Molecular consequence: missense variant.
Genome position (GRCh38, 1-based): chr5:148,127,078, T>C. VCF-style: chr5-148127078-T-C. GRCh37 (hg19) VCF-style: chr5-147506641-T-C.
Other names: c.3053T>C, p.Leu1018Pro (NM_001127698.2); short protein forms L988P, L1018P.
Identifiers: ClinVar variation 575470 (VCV000575470.9), dbSNP rs553107767, ClinGen allele CA128942168.

ClinVar aggregate classification (germline): Uncertain significance (1 of 4 stars; one submission).

Conditions:
Ichthyosis linearis circumflexa. Identifiers: MedGen C0265962, MONDO:0043106, HP:0025810.

Allele frequency attached by ClinVar (database versions not stated): gnomAD 0.00001; gnomAD exomes 0.00001; 1000 Genomes Project 30x 0.00016; 1000 Genomes Project 0.00020.
gnomAD v4.1: 11 of 1,609,208 alleles (0.00068%); highest among the groups gnomAD compares: Admixed American, 0.012%; no homozygotes.

Submission:

Labcorp Genetics (formerly Invitae), Labcorp
Classification: Uncertain significance for Ichthyosis linearis circumflexa. Last evaluated: 2023-11-28. Review status: criteria provided, single submitter. Criteria: Invitae Variant Classification Sherloc (09022015). Collection method: clinical testing. Allele origin: germline.
Comment: This sequence change replaces leucine, which is neutral and non-polar, with proline, which is neutral and non-polar, at codon 988 of the SPINK5 protein (p.Leu988Pro). This variant is present in population databases (rs553107767, gnomAD 0.003%). This variant has not been reported in the literature in individuals affected with SPINK5-related conditions. ClinVar contains an entry for this variant (Variation ID: 575470). An algorithm developed to predict the effect of missense changes on protein structure and function (PolyPhen-2) suggests that this variant is likely to be disruptive. In summary, the available evidence is currently insufficient to determine the role of this variant in disease. Therefore, it has been classified as a Variant of Uncertain Significance.